The following is an entry in ClinVar:

ClinVar aggregate classification (germline): Uncertain significance. Review status: criteria provided, multiple submitters, no conflicts (2 of 4 stars). 2 submissions from 2 submitters: Uncertain significance (2). Last evaluated 2024-04-01.

Allele frequency attached by ClinVar (database versions not stated): gnomAD 0.00001.
gnomAD v4.1: 2 of 1,582,304 alleles (0.00013%); highest among the groups gnomAD compares: African/African-American, 0.0013%; no homozygotes.

Submissions (2):

CeGaT Center for Human Genetics Tuebingen
Classification: Uncertain significance. Last evaluated: 2024-04-01. Review status: criteria provided, single submitter. Criteria: CeGaT Center For Human Genetics Tuebingen Variant Classification Criteria Version 2. Collection method: clinical testing. Allele origin: germline. Affected: yes. Observed: 1 variant allele.
Comment: KMT2C: PM2, BP4

Labcorp Genetics (formerly Invitae), Labcorp
Classification: Uncertain significance. Last evaluated: 2023-08-04. Review status: criteria provided, single submitter. Criteria: Invitae Variant Classification Sherloc (09022015). Collection method: clinical testing. Allele origin: germline.
Comment: This variant is not present in population databases (gnomAD no frequency). In summary, the available evidence is currently insufficient to determine the role of this variant in disease. Therefore, it has been classified as a Variant of Uncertain Significance. An algorithm developed to predict the effect of missense changes on protein structure and function (PolyPhen-2) suggests that this variant is likely to be disruptive. ClinVar contains an entry for this variant (Variation ID: 2062154). This variant has not been reported in the literature in individuals affected with KMT2C-related conditions. This sequence change replaces isoleucine, which is neutral and non-polar, with methionine, which is neutral and non-polar, at codon 4628 of the KMT2C protein (p.Ile4628Met).

NM_170606.3(KMT2C):c.13884C>G (p.Ile4628Met)

Gene: KMT2C (lysine methyltransferase 2C; minus strand). Cytogenetic location: 7q36.1.
Variant type: single nucleotide variant.
Coding change: c.13884C>G on transcript NM_170606.3 (MANE Select); coding-DNA position 13884, C replaced by G.
Protein change: p.Ile4628Met; replaces isoleucine 4628 with methionine.
Molecular consequence: missense variant.
Genome position (GRCh38, 1-based): chr7:152,148,043, G>C on the plus strand (C>G on the coding strand, the complement: KMT2C is on the minus strand). VCF-style: chr7-152148043-G-C. GRCh37 (hg19) VCF-style: chr7-151845128-G-C.
Other names: short protein forms I4628M.
Identifiers: ClinVar variation 2062154 (VCV002062154.28), dbSNP rs2091314936, ClinGen allele CA370089100.